The following is an entry in ClinVar:

ClinVar aggregate classification (germline): Likely benign. Review status: criteria provided, multiple submitters, no conflicts (2 of 4 stars). 3 submissions from 3 submitters: Likely benign (3). Last evaluated 2025-07-08.

Conditions:
Cardiomyopathy (CMYO). Also called: Cardiomyopathies. Identifiers: Orphanet 167848, MedGen C0878544, MONDO:0004994, HP:0001638. Inheritance: Various modes of inheritance.
Catecholaminergic polymorphic ventricular tachycardia (CVPT). Also called: Catecholamine-induced polymorphic ventricular tachycardia. Identifiers: Orphanet 3286, MedGen C5574922, MONDO:0017990.
Catecholaminergic polymorphic ventricular tachycardia 1. Also called: VENTRICULAR TACHYCARDIA, STRESS-INDUCED POLYMORPHIC 1; VENTRICULAR TACHYCARDIA, CATECHOLAMINERGIC POLYMORPHIC, 1, WITH OR WITHOUT ATRIAL DYSFUNCTION AND/OR DILATED CARDIOMYOPATHY; RYR2-Related Catecholaminergic Polymorphic Ventricular Tachycardia. Identifiers: Orphanet 3286, MedGen C1631597, MONDO:0011484, OMIM 604772.

Allele frequency attached by ClinVar (database versions not stated): gnomAD exomes below 0.00001 and 0.00002; gnomAD 0.00001.
gnomAD v4.1: 5 of 1,555,990 alleles (0.00032%); highest among the groups gnomAD compares: Admixed American, 0.0074%; no homozygotes.

Submissions (3):

Labcorp Genetics (formerly Invitae), Labcorp
Classification: Likely benign for Catecholaminergic polymorphic ventricular tachycardia 1. Last evaluated: 2025-07-08. Review status: criteria provided, single submitter. Criteria: Invitae Variant Classification Sherloc (09022015). Collection method: clinical testing. Allele origin: germline.

All of Us Research Program, National Institutes of Health
Classification: Likely benign for Catecholaminergic polymorphic ventricular tachycardia. Last evaluated: 2023-10-02. Review status: criteria provided, single submitter. Criteria: ACMG Guidelines, 2015. Collection method: clinical testing. Allele origin: germline. Inheritance: Autosomal dominant inheritance. Observed: 1 variant allele, 1 heterozygote.
Comment: This study involves interpretation of variants in research participants for the purpose of population health screening. Participant phenotype was not available at the time of variant classification. Additional details can be found in publication PMID: 35346344, PMCID: PMC8962531

Color Diagnostics, LLC DBA Color Health
Classification: Likely benign for Cardiomyopathy. Last evaluated: 2020-11-17. Review status: criteria provided, single submitter. Criteria: ACMG Guidelines, 2015. Collection method: clinical testing. Allele origin: germline.

NM_001035.3(RYR2):c.2784G>A (p.Glu928=)

Gene: RYR2 (ryanodine receptor 2; plus strand). Cytogenetic location: 1q43.
Variant type: single nucleotide variant.
Coding change: c.2784G>A on transcript NM_001035.3 (MANE Select); coding-DNA position 2784, G replaced by A.
Protein change: p.Glu928=; no amino-acid change (glutamic acid 928 retained).
Molecular consequence: synonymous variant.
Genome position (GRCh38, 1-based): chr1:237,511,753, G>A. VCF-style: chr1-237511753-G-A. GRCh37 (hg19) VCF-style: chr1-237675053-G-A.
Identifiers: ClinVar variation 1172122 (VCV001172122.12), dbSNP rs1183256756, ClinGen allele CA423816963.